The following is an entry in ClinVar:

NM_000257.4(MYH7):c.1257+3G>A

Gene: MYH7 (myosin heavy chain 7; minus strand). Cytogenetic location: 14q11.2.
Variant type: single nucleotide variant.
Coding change: c.1257+3G>A on transcript NM_000257.4 (MANE Select); 3 bases into the intron after coding-DNA position 1257, G replaced by A.
Molecular consequence: intron variant.
Genome position (GRCh38, 1-based): chr14:23,429,226, C>T on the plus strand (G>A on the coding strand, the complement: MYH7 is on the minus strand). VCF-style: chr14-23429226-C-T. GRCh37 (hg19) VCF-style: chr14-23898435-C-T.
Identifiers: ClinVar variation 1761987 (VCV001761987.3), dbSNP rs2502302980, ClinGen allele CA2575487106.

ClinVar aggregate classification (germline): Uncertain significance. Review status: criteria provided, multiple submitters, no conflicts (2 of 4 stars). 2 submissions from 2 submitters: Uncertain significance (2). Last evaluated 2025-10-29.

Conditions:
Cardiovascular phenotype. Identifiers: MedGen CN230736.
Hypertrophic cardiomyopathy. Also called: HYPERTROPHIC MYOCARDIOPATHY. Identifiers: Orphanet 217569, MedGen C0007194, MeSH D002312, MONDO:0005045, HP:0001639.

Submissions (2):

Labcorp Genetics (formerly Invitae), Labcorp
Classification: Uncertain significance for Hypertrophic cardiomyopathy. Last evaluated: 2025-10-29. Review status: criteria provided, single submitter. Criteria: Invitae Variant Classification Sherloc (09022015). Collection method: clinical testing. Allele origin: germline.
Comment: This sequence change falls in intron 13 of the MYH7 gene. It does not directly change the encoded amino acid sequence of the MYH7 protein. It affects a nucleotide within the consensus splice site. This variant is not present in population databases (gnomAD no frequency). This variant has not been reported in the literature in individuals affected with MYH7-related conditions. ClinVar contains an entry for this variant (Variation ID: 1761987). Variants that disrupt the consensus splice site are a relatively common cause of aberrant splicing (PMID: 17576681, 9536098). Algorithms developed to predict the effect of sequence changes on RNA splicing suggest that this variant is not likely to affect RNA splicing. In summary, the available evidence is currently insufficient to determine the role of this variant in disease. Therefore, it has been classified as a Variant of Uncertain Significance.

Ambry Genetics
Classification: Uncertain significance for Cardiovascular phenotype. Last evaluated: 2021-01-04. Review status: criteria provided, single submitter. Criteria: Ambry Variant Classification Scheme 2023. Collection method: clinical testing. Allele origin: germline.
Comment: The c.1257+3G>A intronic variant results from a G to A substitution 3 nucleotides after coding exon 11 in the MYH7 gene. This nucleotide position is well conserved in available vertebrate species. In silico splice site analysis predicts that this alteration will not have any significant effect on splicing. Since supporting evidence is limited at this time, the clinical significance of this alteration remains unclear.

Literature cited by the submitters: PubMed 17576681 (cited by Labcorp Genetics (formerly Invitae), Labcorp); PubMed 9536098 (cited by Labcorp Genetics (formerly Invitae), Labcorp).